The following is an entry in ClinVar:

NM_138694.4(PKHD1):c.2781A>G (p.Gln927=)

Gene: PKHD1 (PKHD1 ciliary IPT domain containing fibrocystin/polyductin; minus strand). Cytogenetic location: 6p12.2.
Variant type: single nucleotide variant.
Coding change: c.2781A>G on transcript NM_138694.4 (MANE Select); coding-DNA position 2781, A replaced by G.
Protein change: p.Gln927=; no amino-acid change (glutamine 927 retained).
Molecular consequence: synonymous variant.
Genome position (GRCh38, 1-based): chr6:52,043,665, T>C on the plus strand (A>G on the coding strand, the complement: PKHD1 is on the minus strand). VCF-style: chr6-52043665-T-C. GRCh37 (hg19) VCF-style: chr6-51908463-T-C.
Other names: c.2781A>G, p.Gln927= (NM_170724.3).
Identifiers: ClinVar variation 357442 (VCV000357442.36), dbSNP rs200511208, ClinGen allele CA3853120.

ClinVar aggregate classification (germline): Conflicting classifications of pathogenicity. Review status: criteria provided, conflicting classifications (1 of 4 stars). 8 submissions from 8 submitters: Uncertain significance (2); Likely benign (4). 2 of the submissions do not count toward it. Last evaluated 2026-01-17.

Conditions:
Autosomal recessive polycystic kidney disease (ARPKD). Also called: AR polycystic kidney disease. Identifiers: Orphanet 731, Orphanet 8378, MedGen C0085548, MeSH D017044, MONDO:0009889.
PKHD1-related disorder. Also called: PKHD1-related condition.

Allele frequency attached by ClinVar (database versions not stated): ESP Exome Variant Server 0.00008; gnomAD exomes 0.00010 and 0.00020; ExAC 0.00014; gnomAD 0.00016 and 0.00017; TOPMed 0.00021; 1000 Genomes Project 0.00040; 1000 Genomes Project 30x 0.00047.
gnomAD v4.1: 173 of 1,613,348 alleles (0.011%); highest among the groups gnomAD compares: Middle Eastern, 0.15%; no homozygotes.

Submissions (9):

Labcorp Genetics (formerly Invitae), Labcorp
Classification: Likely benign for Autosomal recessive polycystic kidney disease. Last evaluated: 2026-01-17. Review status: criteria provided, single submitter. Criteria: Invitae Variant Classification Sherloc (09022015). Collection method: clinical testing. Allele origin: germline.

CeGaT Center for Human Genetics Tuebingen
Classification: Likely benign. Last evaluated: 2025-06-01. Review status: criteria provided, single submitter. Criteria: CeGaT Center For Human Genetics Tuebingen Variant Classification Criteria Version 2. Collection method: clinical testing. Allele origin: germline. Affected: yes. Observed: 1 variant allele.
Comment: PKHD1: BP4, BP7

Blueprint Genetics
Classification: Likely benign. Last evaluated: 2024-10-28. Review status: criteria provided, single submitter. Criteria: ACMG Guidelines, 2015. Collection method: clinical testing. Allele origin: germline.

Women's Health and Genetics/Laboratory Corporation of America, LabCorp
Classification: Likely benign. Last evaluated: 2023-01-25. Review status: criteria provided, single submitter. Criteria: LabCorp Variant Classification Summary - May 2015. Collection method: clinical testing. Allele origin: germline.

Illumina Laboratory Services, Illumina
Classification: Uncertain significance for Polycystic kidney disease 4. Last evaluated: 2018-01-13. Review status: criteria provided, single submitter. Criteria: ICSL Variant Classification Criteria 13 December 2019. Collection method: clinical testing. Allele origin: germline.

Eurofins Ntd Llc (ga)
Classification: Uncertain significance. Last evaluated: 2017-10-05. Review status: criteria provided, single submitter. Criteria: EGL Classification Definitions 2015. Collection method: clinical testing. Allele origin: germline. Observed: 5 variant alleles, 5 heterozygotes.

PreventionGenetics, part of Exact Sciences
Classification: Likely benign for PKHD1-related condition. Last evaluated: 2022-05-31. Review status: no assertion criteria provided. Collection method: clinical testing. Allele origin: germline. Not counted in ClinVar's aggregate classification.
Comment: This variant is classified as likely benign based on ACMG/AMP sequence variant interpretation guidelines (Richards et al. 2015 PMID: 25741868, with internal and published modifications).

Natera, Inc.
Classification: Uncertain significance for Autosomal recessive polycystic kidney disease. Last evaluated: 2018-06-06. Review status: no assertion criteria provided. Collection method: clinical testing. Allele origin: germline. Not counted in ClinVar's aggregate classification.

Dr. Peter K. Rogan Lab, Western University
No classification provided (evidence only). Condition: Gastric cancer. Review status: no classification provided. Collection method: in vitro. Allele origin: not applicable. Functional consequence: retained intron. Not counted in ClinVar's aggregate classification.